The following is an entry in ClinVar:

NM_172240.3(POC1B):c.811-5_816del

Genes: POC1B (POC1 centriolar protein B; minus strand), POC1B-DUSP6 (POC1B-DUSP6 readthrough; minus strand). Cytogenetic location: 12q21.33.
Variant type: Deletion.
Coding change: c.811-5_816del on transcript NM_172240.3 (MANE Select); 5 bases into the intron before coding-DNA position 811 through coding-DNA position 816, 11 bases deleted (CTCAGGGACCT).
Molecular consequence: splice acceptor variant.
Genome position (GRCh38, 1-based): chr12:89,467,680-89,467,690, AGGTCCCTGAG deleted on the plus strand (CTCAGGGACCT on the coding strand, the reverse complement: POC1B is on the minus strand); deleting any 11 consecutive bases within chr12:89,467,680-89,467,691 gives the same sequence; the c. name uses the placement nearest the transcript's 3' end. VCF-style (leftmost placement, unchanged base first): chr12-89467679-CAGGTCCCTGAG-C. GRCh37 (hg19) VCF-style: chr12-89861456-CAGGTCCCTGAG-C.
Other names: c.685-5_690del (NM_001199777.2).
Identifiers: ClinVar variation 2709712 (VCV002709712.3), dbSNP rs2540437866, ClinGen allele CA2697551508.

ClinVar aggregate classification (germline): Likely pathogenic (1 of 4 stars; one submission).

Submission:

Labcorp Genetics (formerly Invitae), Labcorp
Classification: Likely pathogenic. Last evaluated: 2024-01-16. Review status: criteria provided, single submitter. Criteria: Invitae Variant Classification Sherloc (09022015). Collection method: clinical testing. Allele origin: germline.
Comment: This variant results in the deletion of part of exon 8 (c.811-5_816del) of the POC1B gene. It is expected to disrupt RNA splicing. Variants that disrupt the donor or acceptor splice site typically lead to a loss of protein function (PMID: 16199547), and loss-of-function variants in POC1B are known to be pathogenic (PMID: 25018096, 29220607). This variant is not present in population databases (gnomAD no frequency). This variant has not been reported in the literature in individuals affected with POC1B-related conditions. In summary, the currently available evidence indicates that the variant is pathogenic, but additional data are needed to prove that conclusively. Therefore, this variant has been classified as Likely Pathogenic.

Literature cited by the submitters: PubMed 16199547; PubMed 25018096; PubMed 29220607.